The following is an entry in ClinVar:

NM_001042492.3(NF1):c.3394C>G (p.Arg1132Gly)

Gene: NF1 (neurofibromin 1; plus strand). Cytogenetic location: 17q11.2.
Variant type: single nucleotide variant.
Coding change: c.3394C>G on transcript NM_001042492.3 (MANE Select); coding-DNA position 3394, C replaced by G.
Protein change: p.Arg1132Gly; replaces arginine 1132 with glycine.
Molecular consequence: missense variant.
Genome position (GRCh38, 1-based): chr17:31,232,779, C>G. VCF-style: chr17-31232779-C-G. GRCh37 (hg19) VCF-style: chr17-29559797-C-G.
Other names: c.3394C>G, p.Arg1132Gly (NM_000267.4); short protein forms R1132G.
Identifiers: ClinVar variation 1408368 (VCV001408368.6), dbSNP rs587781725, ClinGen allele CA398989139.
Genomic context (GRCh38, chr17:31,232,779, plus strand): 5'-AACCTTTTGAATGACTGCAGTGAAGTTGAAGATGAAAGTGCGCAAACAGGTGGCAGGAAA[C>G]GTGGCATGTCTCGGAGGCTGGCATCACTGAGGCACTGTACGGTCCTTGCAATGTCAAACT-3'
Protein context (NP_001035957.1, residues 1122-1142): DESAQTGGRK[Arg1132Gly]GMSRRLASLR

ClinVar aggregate classification (germline): Uncertain significance (1 of 4 stars; one submission).

Conditions:
Neurofibromatosis, type 1 (NF1). Also called: NEUROFIBROMATOSIS, TYPE I, SOMATIC; Peripheral type neurofibromatosis; Neurofibromatosis, type I; VON RECKLINGHAUSEN DISEASE. Identifiers: Orphanet 636, MedGen C0027831, MONDO:0018975, OMIM 162200. Disease mechanism: loss of function.

gnomAD v4.1: 7 of 1,613,752 alleles (0.00043%); highest among the groups gnomAD compares: Non-Finnish European, 0.00059%; no homozygotes.

Submission:

Labcorp Genetics (formerly Invitae), Labcorp
Classification: Uncertain significance for Neurofibromatosis, type 1. Last evaluated: 2021-10-21. Review status: criteria provided, single submitter. Criteria: Invitae Variant Classification Sherloc (09022015). Collection method: clinical testing. Allele origin: germline.
Comment: This sequence change replaces arginine with glycine at codon 1132 of the NF1 protein (p.Arg1132Gly). The arginine residue is moderately conserved and there is a moderate physicochemical difference between arginine and glycine. This variant is not present in population databases (ExAC no frequency). This variant has not been reported in the literature in individuals affected with NF1-related conditions. Advanced modeling of protein sequence and biophysical properties (such as structural, functional, and spatial information, amino acid conservation, physicochemical variation, residue mobility, and thermodynamic stability) performed at Invitae indicates that this missense variant is expected to disrupt NF1 protein function. In summary, the available evidence is currently insufficient to determine the role of this variant in disease. Therefore, it has been classified as a Variant of Uncertain Significance.